The following is an entry in ClinVar:

NM_004415.4(DSP):c.5G>C (p.Ser2Thr)

Genes: DSP-AS1 (DSP antisense RNA 1; minus strand), DSP (desmoplakin; plus strand). Cytogenetic location: 6p24.3.
Variant type: single nucleotide variant.
Coding change: c.5G>C on transcript NM_004415.4 (MANE Select); coding-DNA position 5, G replaced by C.
Protein change: p.Ser2Thr; replaces serine 2 with threonine.
Molecular consequence: missense variant.
Genome position (GRCh38, 1-based): chr6:7,541,920, G>C. VCF-style: chr6-7541920-G-C. GRCh37 (hg19) VCF-style: chr6-7542153-G-C.
Other names: c.5G>C, p.Ser2Thr (NM_001008844.3, NM_001319034.2, NM_001406591.1); short protein forms S2T.
Identifiers: ClinVar variation 2932659 (VCV002932659.3), dbSNP rs2113628400, ClinGen allele CA362675411.
Genomic context (GRCh38, chr6:7,541,920, plus strand): 5'-CCGGCCCGCCTCGCTTATGCCTCGGCGCTGAGCCGCTCTCCCGATTGCCCGCCGACATGA[G>C]CTGCAACGGAGGCTCCCACCCGCGGATCAACACTCTGGGCCGCATGATCCGCGCCGAGTC-3'
Protein context (NP_004406.2, residues 1-12): M[Ser2Thr]CNGGSHPRIN

ClinVar aggregate classification (germline): Uncertain significance (1 of 4 stars; one submission).

Conditions:
Arrhythmogenic cardiomyopathy with wooly hair and keratoderma. Also called: PALMOPLANTAR KERATODERMA WITH LEFT VENTRICULAR CARDIOMYOPATHY AND WOOLLY HAIR; Carvajal syndrome; Arrhythmogenic cardiomyopathy with woolly hair and keratoderma; Dilated cardiomyopathy with woolly hair and keratoderma. Identifiers: Orphanet 65282, MedGen C1854063, MONDO:0011581, OMIM 605676.
Arrhythmogenic right ventricular dysplasia 8 (ARVD8). Also called: Arrhythmogenic Right Ventricular Dysplasia/Cardiomyopathy 8; ARRHYTHMOGENIC RIGHT VENTRICULAR DYSPLASIA, FAMILIAL, 8; ARRHYTHMOGENIC RIGHT VENTRICULAR CARDIOMYOPATHY 8. Identifiers: MedGen C1843896, MONDO:0011831, OMIM 607450.

Submission:

Labcorp Genetics (formerly Invitae), Labcorp
Classification: Uncertain significance for Arrhythmogenic cardiomyopathy with wooly hair and keratoderma; Arrhythmogenic right ventricular dysplasia 8. Last evaluated: 2023-12-14. Review status: criteria provided, single submitter. Criteria: Invitae Variant Classification Sherloc (09022015). Collection method: clinical testing. Allele origin: germline.
Comment: This sequence change replaces serine, which is neutral and polar, with threonine, which is neutral and polar, at codon 2 of the DSP protein (p.Ser2Thr). This variant is not present in population databases (gnomAD no frequency). This variant has not been reported in the literature in individuals affected with DSP-related conditions. An algorithm developed to predict the effect of missense changes on protein structure and function (PolyPhen-2) suggests that this variant is likely to be tolerated. In summary, the available evidence is currently insufficient to determine the role of this variant in disease. Therefore, it has been classified as a Variant of Uncertain Significance.